The following is an entry in ClinVar:

ClinVar aggregate classification (germline): Uncertain significance (1 of 4 stars; one submission).

gnomAD v4.1: 892 of 1,609,020 alleles (0.055%); highest among the groups gnomAD compares: Non-Finnish European, 0.068%; 1 homozygote.

Submission:

Women's Health and Genetics/Laboratory Corporation of America, LabCorp
Classification: Uncertain significance. Last evaluated: 2025-01-28. Review status: criteria provided, single submitter. Criteria: LabCorp Variant Classification Summary - May 2015. Collection method: clinical testing. Allele origin: germline.
Comment: Variant summary: HCK c.1016-7C>T alters a nucleotide located close to a canonical splice site and therefore could affect mRNA splicing, leading to a significantly altered protein sequence. Consensus agreement among computation tools predict no significant impact on normal splicing. However, these predictions have yet to be confirmed by functional studies. The variant allele was found at a frequency of 0.0005 in 246738 control chromosomes. This frequency is not significantly higher than estimated for a pathogenic variant in HCK causing Autoinflammation with pulmonary and cutaneous vasculitis, allowing no conclusion about variant significance. To our knowledge, no occurrence of c.1016-7C>T in individuals affected with Autoinflammation with pulmonary and cutaneous vasculitis and no experimental evidence demonstrating its impact on protein function have been reported. No submitters have cited clinical-significance assessments for this variant to ClinVar. Based on the evidence outlined above, the variant was classified as uncertain significance.

NM_002110.5(HCK):c.1016-7C>T

Gene: HCK (HCK proto-oncogene, Src family tyrosine kinase; plus strand). Cytogenetic location: 20q11.21.
Variant type: single nucleotide variant.
Coding change: c.1016-7C>T on transcript NM_002110.5 (MANE Select); 7 bases into the intron before coding-DNA position 1016, C replaced by T.
Molecular consequence: intron variant.
Genome position (GRCh38, 1-based): chr20:32,088,561, C>T. VCF-style: chr20-32088561-C-T. GRCh37 (hg19) VCF-style: chr20-30676364-C-T.
Other names: c.956-7C>T (NM_001172132.3); c.953-7C>T (NM_001172133.3, NM_001172129.3); c.950-7C>T (NM_001172131.3); c.1013-7C>T (NM_001172130.3).
Identifiers: ClinVar variation 3769359 (VCV003769359.2).